The following is an entry in ClinVar:

ClinVar aggregate classification (germline): Conflicting classifications of pathogenicity. Review status: criteria provided, conflicting classifications (1 of 4 stars). 3 submissions from 3 submitters: Likely pathogenic (2); Uncertain significance (1). Last evaluated 2026-03-20.

Conditions:
Cardiovascular phenotype. Identifiers: MedGen CN230736.
RASopathy. Also called: rasopathies; Noonan spectrum disorder. Identifiers: Orphanet 536391, MedGen C5555857, MONDO:0021060.

Allele frequency attached by ClinVar (database versions not stated): gnomAD exomes below 0.00001.
gnomAD v4.1: 1 of 1,612,246 alleles (0.000062%); highest among the groups gnomAD compares: Non-Finnish European, 0.000085%; no homozygotes.

Submissions (3):

Ambry Genetics
Classification: Likely pathogenic for Cardiovascular phenotype. Last evaluated: 2026-03-20. Review status: criteria provided, single submitter. Criteria: Ambry Variant Classification Scheme 2023. Collection method: clinical testing. Allele origin: germline.
Comment: The c.1156G>A (p.E386K) alteration is located in exon 8 (coding exon 8) of the CBL gene. This alteration results from a G to A substitution at nucleotide position 1156, causing the glutamic acid (E) at amino acid position 386 to be replaced by a lysine (K). This variant was not reported in population-based cohorts in the Genome Aggregation Database (gnomAD). This variant was determined to be de novo in at least one individual with features consistent with CBL-related RASopathy (external communication). This amino acid position is highly conserved in available vertebrate species. This alteration is predicted to be deleterious by in silico analysis. Based on the available evidence, this alteration is classified as likely pathogenic.

GeneDx
Classification: Uncertain significance. Last evaluated: 2025-03-12. Review status: criteria provided, single submitter. Criteria: GeneDx Variant Classification Process June 2021. Collection method: clinical testing. Allele origin: germline. Affected: yes.
Comment: Not observed at significant frequency in large population cohorts (gnomAD); In silico analysis supports that this missense variant has a deleterious effect on protein structure/function; Has not been previously published as pathogenic or benign to our knowledge; This variant is associated with the following publications: (PMID: 20619386, 22315494)

Labcorp Genetics (formerly Invitae), Labcorp
Classification: Likely pathogenic for RASopathy. Last evaluated: 2020-04-01. Review status: criteria provided, single submitter. Criteria: Invitae Variant Classification Sherloc (09022015). Collection method: clinical testing. Allele origin: germline.
Comment: This variant has been observed in individual(s) with clinical features of Noonan syndrome (Invitae). In at least one individual the variant was observed to be de novo. ClinVar contains an entry for this variant (Variation ID: 649789). This sequence change replaces glutamic acid with lysine at codon 386 of the CBL protein (p.Glu386Lys). The glutamic acid residue is highly conserved and there is a small physicochemical difference between glutamic acid and lysine. This variant is not present in population databases (ExAC no frequency). Algorithms developed to predict the effect of missense changes on protein structure and function are either unavailable or do not agree on the potential impact of this missense change (SIFT: "Deleterious"; PolyPhen-2: "Probably Damaging"; Align-GVGD: "Class C0"). In summary, the currently available evidence indicates that the variant is pathogenic, but additional data are needed to prove that conclusively. Therefore, this variant has been classified as Likely Pathogenic.

NM_005188.4(CBL):c.1156G>A (p.Glu386Lys)

Gene: CBL (Cbl proto-oncogene; plus strand). Cytogenetic location: 11q23.3.
Variant type: single nucleotide variant.
Coding change: c.1156G>A on transcript NM_005188.4 (MANE Select); coding-DNA position 1156, G replaced by A.
Protein change: p.Glu386Lys; replaces glutamic acid 386 with lysine.
Molecular consequence: missense variant.
Genome position (GRCh38, 1-based): chr11:119,278,226, G>A. VCF-style: chr11-119278226-G-A. GRCh37 (hg19) VCF-style: chr11-119148936-G-A.
Other names: c.1156G>A (NM_005188.2); short protein forms E386K.
Identifiers: ClinVar variation 649789 (VCV000649789.10), dbSNP rs1592400852, ClinGen allele CA382912571.